The following is an entry in ClinVar:

ClinVar aggregate classification (germline): Uncertain significance (1 of 4 stars; one submission).

gnomAD v4.1: 1 of 1,612,218 alleles (0.000062%); highest among the groups gnomAD compares: Non-Finnish European, 0.000085%; no homozygotes.

Submission:

Ambry Genetics
Classification: Uncertain significance. Last evaluated: 2026-07-28. Review status: criteria provided, single submitter. Criteria: Ambry Variant Classification Scheme 2023. Collection method: clinical testing. Allele origin: germline.
Comment: The p.T503R variant (also known as c.1508C>G), located in coding exon 15 of the NEBL gene, results from a C to G substitution at nucleotide position 1508. The threonine at codon 503 is replaced by arginine, an amino acid with similar properties. This amino acid position is conserved. In addition, this alteration is predicted to be tolerated by in silico analysis. Based on the available evidence, the clinical significance of this variant remains unclear.

NM_006393.3(NEBL):c.1508C>G (p.Thr503Arg)

Gene: NEBL (nebulette; minus strand). Cytogenetic location: 10p12.31.
Variant type: single nucleotide variant.
Coding change: c.1508C>G on transcript NM_006393.3 (MANE Select); coding-DNA position 1508, C replaced by G.
Protein change: p.Thr503Arg; replaces threonine 503 with arginine.
Molecular consequence: missense variant. On other transcripts: intron variant (9).
Genome position (GRCh38, 1-based): chr10:20,831,525, G>C on the plus strand (C>G on the coding strand, the complement: NEBL is on the minus strand). VCF-style: chr10-20831525-G-C. GRCh37 (hg19) VCF-style: chr10-21120454-G-C.
Other names: c.250-18585C>G (NM_001377326.1, NM_001377327.1, NM_001377328.1); c.358-18585C>G (NM_213569.2, NM_001173484.2, NM_001377322.1); c.301-18585C>G (NM_001377324.1); c.292-18585C>G (NM_001377325.1); c.310-18585C>G (NM_001377323.1); short protein forms T503R.
Identifiers: ClinVar variation 5025466 (VCV005025466.1).
Genomic context (GRCh38, chr10:20,831,525, plus strand): 5'-TGTCTTACCTGGCTGGCCATCTCGGATGCTTTCTTAGCTCTCTGGACATCAAGAGTGTCT[G>C]TGCTCACCTGCATCCCTTTCCCTTTAATTTCAGTCTCCAGATCTCTTTTATAGTCTTTCT-3'
Protein context (NP_006384.1, residues 493-513): EIKGKGMQVS[Thr503Arg]DTLDVQRAKK